The following is an entry in ClinVar:

NM_002474.3(MYH11):c.1864+6G>A

Gene: MYH11 (myosin heavy chain 11; minus strand). Cytogenetic location: 16p13.11.
Variant type: single nucleotide variant.
Coding change: c.1864+6G>A on transcript NM_002474.3 (MANE Select); 6 bases into the intron after coding-DNA position 1864, G replaced by A.
Molecular consequence: intron variant.
Genome position (GRCh38, 1-based): chr16:15,753,388, C>T on the plus strand (G>A on the coding strand, the complement: MYH11 is on the minus strand). VCF-style: chr16-15753388-C-T. GRCh37 (hg19) VCF-style: chr16-15847245-C-T.
Other names: c.1864+6G>A (NM_022844.3); c.1885+6G>A (NM_001040114.2, NM_001040113.2).
Identifiers: ClinVar variation 631404 (VCV000631404.6), dbSNP rs1567729627, ClinGen allele CA913188688.

ClinVar aggregate classification (germline): Uncertain significance. Review status: criteria provided, multiple submitters, no conflicts (2 of 4 stars). 2 submissions from 2 submitters: Uncertain significance (2). Last evaluated 2023-02-21.

Conditions:
Familial thoracic aortic aneurysm and aortic dissection (TAAD). Also called: Thoracic aortic aneurysms and dissections. Identifiers: Orphanet 91387, MedGen C4707243, MONDO:0019625.
Aortic aneurysm, familial thoracic 4 (AAT4). Also called: AORTIC ANEURYSM/AORTIC DISSECTION AND PATENT DUCTUS ARTERIOSUS. Identifiers: MedGen C1851504, MONDO:0007568, OMIM 132900.

gnomAD v4.1: 5 of 1,610,000 alleles (0.00031%); highest among the groups gnomAD compares: South Asian, 0.0011%; no homozygotes.

Submissions (2):

Color Diagnostics, LLC DBA Color Health
Classification: Uncertain significance for Familial thoracic aortic aneurysm and aortic dissection. Last evaluated: 2023-02-21. Review status: criteria provided, single submitter. Criteria: ACMG Guidelines, 2015. Collection method: clinical testing. Allele origin: germline.
Comment: This variant causes a G to A nucleotide substitution at the +6 position of intron 16 of the MYH11 gene. To our knowledge, functional studies have not been reported for this variant. This variant has not been reported in individuals affected with MYH11-related disorders in the literature. This variant has not been identified in the general population by the Genome Aggregation Database (gnomAD). The available evidence is insufficient to determine the role of this variant in disease conclusively. Therefore, this variant is classified as a Variant of Uncertain Significance.

Labcorp Genetics (formerly Invitae), Labcorp
Classification: Uncertain significance for Aortic aneurysm, familial thoracic 4. Last evaluated: 2022-05-20. Review status: criteria provided, single submitter. Criteria: Invitae Variant Classification Sherloc (09022015). Collection method: clinical testing. Allele origin: germline.
Comment: This sequence change falls in intron 16 of the MYH11 gene. It does not directly change the encoded amino acid sequence of the MYH11 protein. It affects a nucleotide within the consensus splice site. This variant is not present in population databases (gnomAD no frequency). In summary, the available evidence is currently insufficient to determine the role of this variant in disease. Therefore, it has been classified as a Variant of Uncertain Significance. Variants that disrupt the consensus splice site are a relatively common cause of aberrant splicing (PMID: 17576681, 9536098). Algorithms developed to predict the effect of sequence changes on RNA splicing suggest that this variant is not likely to affect RNA splicing. ClinVar contains an entry for this variant (Variation ID: 631404). This variant has not been reported in the literature in individuals affected with MYH11-related conditions.

Literature cited by the submitters: PubMed 17576681 (cited by Labcorp Genetics (formerly Invitae), Labcorp); PubMed 9536098 (cited by Labcorp Genetics (formerly Invitae), Labcorp).